The following is an entry in ClinVar:

NM_058179.4(PSAT1):c.151A>C (p.Lys51Gln)

Gene: PSAT1 (phosphoserine aminotransferase 1; plus strand). Cytogenetic location: 9q21.2.
Variant type: single nucleotide variant.
Coding change: c.151A>C on transcript NM_058179.4 (MANE Select); coding-DNA position 151, A replaced by C.
Protein change: p.Lys51Gln; replaces lysine 51 with glutamine.
Molecular consequence: missense variant.
Genome position (GRCh38, 1-based): chr9:78,301,983, A>C. VCF-style: chr9-78301983-A-C. GRCh37 (hg19) VCF-style: chr9-80916899-A-C.
Other names: c.151A>C, p.Lys51Gln (NM_021154.5); short protein forms K51Q.
Identifiers: ClinVar variation 976920 (VCV000976920.8), dbSNP rs759948216, ClinGen allele CA5095535.

ClinVar aggregate classification (germline): Uncertain significance. Review status: criteria provided, single submitter (1 of 4 stars). 2 submissions from 2 submitters: Uncertain significance (1). 1 of the submissions does not count toward it. Last evaluated 2022-08-23.

Conditions:
Neu-Laxova syndrome 2. Identifiers: Orphanet 2671, Orphanet 583602, MedGen C4015019, MONDO:0014466, OMIM 616038.

Allele frequency attached by ClinVar (database versions not stated): gnomAD exomes below 0.00001 and 0.00001; ExAC 0.00001.
gnomAD v4.1: 3 of 1,611,820 alleles (0.00019%); highest among the groups gnomAD compares: Admixed American, 0.005%; no homozygotes.

Submissions (2):

Labcorp Genetics (formerly Invitae), Labcorp
Classification: Uncertain significance for Neu-Laxova syndrome 2. Last evaluated: 2022-08-23. Review status: criteria provided, single submitter. Criteria: Invitae Variant Classification Sherloc (09022015). Collection method: clinical testing. Allele origin: germline.
Comment: This sequence change replaces lysine, which is basic and polar, with glutamine, which is neutral and polar, at codon 51 of the PSAT1 protein (p.Lys51Gln). This variant is present in population databases (rs759948216, gnomAD 0.009%). This variant has not been reported in the literature in individuals affected with PSAT1-related conditions. ClinVar contains an entry for this variant (Variation ID: 976920). Algorithms developed to predict the effect of missense changes on protein structure and function (SIFT, PolyPhen-2, Align-GVGD) all suggest that this variant is likely to be tolerated. Experimental studies have shown that this missense change does not substantially affect PSAT1 function (PMID: 32077105). In summary, the available evidence is currently insufficient to determine the role of this variant in disease. Therefore, it has been classified as a Variant of Uncertain Significance.

Dudley Research Group, Pacific Northwest Research Institute
No classification provided. Review status: no classification provided. Collection method: research, in vivo. Allele origin: unknown, not applicable. Functional consequence: functionally_normal. Not counted in ClinVar's aggregate classification.

Literature cited by the submitters: PubMed 32077105 (cited by Labcorp Genetics (formerly Invitae), Labcorp).